The following is an entry in ClinVar:

NM_004793.4(LONP1):c.997G>A (p.Asp333Asn)

Gene: LONP1 (lon peptidase 1, mitochondrial; minus strand). Cytogenetic location: 19p13.3.
Variant type: single nucleotide variant.
Coding change: c.997G>A on transcript NM_004793.4 (MANE Select); coding-DNA position 997, G replaced by A.
Protein change: p.Asp333Asn; replaces aspartic acid 333 with asparagine.
Molecular consequence: missense variant. On other transcripts: non-coding transcript variant (1).
Genome position (GRCh38, 1-based): chr19:5,707,762, C>T on the plus strand (G>A on the coding strand, the complement: LONP1 is on the minus strand). VCF-style: chr19-5707762-C-T. GRCh37 (hg19) VCF-style: chr19-5707773-C-T.
Other names: c.805G>A, p.Asp269Asn (NM_001276479.2); c.409G>A, p.Asp137Asn (NM_001276480.1); short protein forms D137N, D269N, D333N.
Identifiers: ClinVar variation 1194426 (VCV001194426.5), dbSNP rs1002299117, ClinGen allele CA403536101.

ClinVar aggregate classification (germline): Uncertain significance. Review status: criteria provided, multiple submitters, no conflicts (2 of 4 stars). 2 submissions from 2 submitters: Uncertain significance (2). Last evaluated 2023-10-03.

gnomAD v4.1: 7 of 1,613,342 alleles (0.00043%); highest among the groups gnomAD compares: Non-Finnish European, 0.00059%; no homozygotes.

Submissions (2):

Labcorp Genetics (formerly Invitae), Labcorp
Classification: Uncertain significance. Last evaluated: 2023-10-03. Review status: criteria provided, single submitter. Criteria: Invitae Variant Classification Sherloc (09022015). Collection method: clinical testing. Allele origin: germline.
Comment: This sequence change replaces aspartic acid, which is acidic and polar, with asparagine, which is neutral and polar, at codon 333 of the LONP1 protein (p.Asp333Asn). This variant is not present in population databases (gnomAD no frequency). This variant has not been reported in the literature in individuals affected with LONP1-related conditions. ClinVar contains an entry for this variant (Variation ID: 1194426). Advanced modeling of protein sequence and biophysical properties (such as structural, functional, and spatial information, amino acid conservation, physicochemical variation, residue mobility, and thermodynamic stability) performed at Invitae indicates that this missense variant is not expected to disrupt LONP1 protein function. In summary, the available evidence is currently insufficient to determine the role of this variant in disease. Therefore, it has been classified as a Variant of Uncertain Significance.

GeneDx
Classification: Uncertain significance. Last evaluated: 2020-05-18. Review status: criteria provided, single submitter. Criteria: GeneDx Variant Classification Process June 2021. Collection method: clinical testing. Allele origin: germline. Affected: yes.
Comment: Not observed in large population cohorts (Lek et al., 2016); In silico analysis supports that this missense variant has a deleterious effect on protein structure/function; Has not been previously published as pathogenic or benign to our knowledge